The following is an entry in ClinVar:

ClinVar aggregate classification (germline): Likely benign. Review status: criteria provided, multiple submitters, no conflicts (2 of 4 stars). 2 submissions from 2 submitters: Likely benign (2). Last evaluated 2025-09-05.

Conditions:
Leber congenital amaurosis 6 (LCA6). Identifiers: Orphanet 65, MedGen C1854260, MONDO:0013446, OMIM 613826.
Cone-rod dystrophy 13 (CORD13). Identifiers: Orphanet 1872, MedGen C2750720, MONDO:0011987, OMIM 608194.
RPGRIP1-related disorder. Also called: RPGRIP1-related condition.

Allele frequency attached by ClinVar (database versions not stated): gnomAD exomes 0.00001 and 0.00002; gnomAD 0.00003 and 0.00004; ExAC 0.00004; TOPMed 0.00005.
gnomAD v4.1: 20 of 1,612,308 alleles (0.0012%); highest among the groups gnomAD compares: African/African-American, 0.023%; no homozygotes.

Submissions (2):

PreventionGenetics, part of Exact Sciences
Classification: Likely benign for RPGRIP1-related condition. Last evaluated: 2025-09-05. Review status: criteria provided, single submitter. Criteria: ACMG Guidelines, 2015. Collection method: clinical testing. Allele origin: germline.
Comment: This variant is classified as likely benign based on ACMG/AMP sequence variant interpretation guidelines (Richards et al. 2015 PMID: 25741868, with internal and published modifications).

Labcorp Genetics (formerly Invitae), Labcorp
Classification: Likely benign for Leber congenital amaurosis 6; Cone-rod dystrophy 13. Last evaluated: 2024-06-05. Review status: criteria provided, single submitter. Criteria: Invitae Variant Classification Sherloc (09022015). Collection method: clinical testing. Allele origin: germline.

NM_020366.4(RPGRIP1):c.993A>G (p.Ala331=)

Gene: RPGRIP1 (RPGR interacting protein 1; plus strand). Cytogenetic location: 14q11.2.
Variant type: single nucleotide variant.
Coding change: c.993A>G on transcript NM_020366.4 (MANE Select); coding-DNA position 993, A replaced by G.
Protein change: p.Ala331=; no amino-acid change (alanine 331 retained).
Molecular consequence: synonymous variant.
Genome position (GRCh38, 1-based): chr14:21,311,886, A>G. VCF-style: chr14-21311886-A-G. GRCh37 (hg19) VCF-style: chr14-21780045-A-G.
Other names: c.993A>G (NM_020366.3).
Identifiers: ClinVar variation 1570185 (VCV001570185.9), dbSNP rs773504349, ClinGen allele CA7088846.